The following is an entry in ClinVar:

ClinVar aggregate classification (germline): Uncertain significance. Review status: criteria provided, multiple submitters, no conflicts (2 of 4 stars). 3 submissions from 3 submitters: Uncertain significance (3). Last evaluated 2024-01-19.

Conditions:
Orofaciodigital syndrome type 6 (OFD6). Also called: Oral-facial-digital syndrome type 6; Central polydactyly cleft lip/palate or lingual lump and psychomotor retardation; Y-shaped central metacarpal and cerebellar defect; Joubert syndrome with orofacialdigital anomalies; VARADI SYNDROME; VARADI-PAPP SYNDROME. Identifiers: Orphanet 2754, MedGen C2745997, MONDO:0010176, OMIM 277170.
Joubert syndrome 17 (JBTS17). Identifiers: Orphanet 475, MedGen C3553264, MONDO:0013824, OMIM 614615.

gnomAD v4.1: 10 of 1,613,524 alleles (0.00062%); highest among the groups gnomAD compares: African/African-American, 0.012%; no homozygotes.

Submissions (3):

Labcorp Genetics (formerly Invitae), Labcorp
Classification: Uncertain significance. Last evaluated: 2024-01-19. Review status: criteria provided, single submitter. Criteria: Invitae Variant Classification Sherloc (09022015). Collection method: clinical testing. Allele origin: germline.
Comment: This sequence change replaces asparagine, which is neutral and polar, with lysine, which is basic and polar, at codon 2152 of the CPLANE1 protein (p.Asn2152Lys). This variant is present in population databases (no rsID available, gnomAD 0.02%). This variant has not been reported in the literature in individuals affected with CPLANE1-related conditions. ClinVar contains an entry for this variant (Variation ID: 1391182). Advanced modeling of protein sequence and biophysical properties (such as structural, functional, and spatial information, amino acid conservation, physicochemical variation, residue mobility, and thermodynamic stability) performed at Invitae indicates that this missense variant is not expected to disrupt CPLANE1 protein function with a negative predictive value of 95%. In summary, the available evidence is currently insufficient to determine the role of this variant in disease. Therefore, it has been classified as a Variant of Uncertain Significance.

GeneDx
Classification: Uncertain significance. Last evaluated: 2022-04-02. Review status: criteria provided, single submitter. Criteria: GeneDx Variant Classification Process June 2021. Collection method: clinical testing. Allele origin: germline. Affected: yes.
Comment: In silico analysis supports that this missense variant does not alter protein structure/function; Has not been previously published as pathogenic or benign to our knowledge

Fulgent Genetics
Classification: Uncertain significance for Orofaciodigital syndrome type 6; Joubert syndrome 17. Last evaluated: 2021-08-20. Review status: criteria provided, single submitter. Criteria: ACMG Guidelines, 2015. Collection method: clinical testing. Allele origin: unknown.

NM_001384732.1(CPLANE1):c.6456C>A (p.Asn2152Lys)

Gene: CPLANE1 (ciliogenesis and planar polarity effector complex subunit 1; minus strand). Cytogenetic location: 5p13.2.
Variant type: single nucleotide variant.
Coding change: c.6456C>A on transcript NM_001384732.1 (MANE Select); coding-DNA position 6456, C replaced by A.
Protein change: p.Asn2152Lys; replaces asparagine 2152 with lysine.
Molecular consequence: missense variant.
Genome position (GRCh38, 1-based): chr5:37,170,047, G>T on the plus strand (C>A on the coding strand, the complement: CPLANE1 is on the minus strand). VCF-style: chr5-37170047-G-T. GRCh37 (hg19) VCF-style: chr5-37170149-G-T.
Other names: c.6456C>A, p.Asn2152Lys (NM_023073.4); short protein forms N2152K.
Identifiers: ClinVar variation 1391182 (VCV001391182.9), dbSNP rs186460995, ClinGen allele CA117055394.